The following is an entry in ClinVar:

ClinVar aggregate classification (germline): Likely pathogenic (1 of 4 stars; one submission).

Conditions:
Developmental and epileptic encephalopathy, 1 (DEE1). Also called: INFANTILE SPASM SYNDROME, X-LINKED 1; X-linked infantile spasms; West's syndrome; Tonic spasms with clustering, arrest of psychomotor development and hypsarrhythmia on EEG; X-Linked Infantile Spasm Syndrome; OHTAHARA SYNDROME, X-LINKED. Identifiers: MedGen C3463992, MONDO:0010632, OMIM 308350. Disease mechanism: loss of function.

Submission:

Neuberg Centre For Genomic Medicine, NCGM
Classification: Likely pathogenic for Developmental and epileptic encephalopathy, 1. Last evaluated: 2023-06-22. Review status: criteria provided, single submitter. Criteria: ACMG Guidelines, 2015. Collection method: clinical testing. Allele origin: germline. Inheritance: X-linked recessive inheritance. Affected: yes.
Comment: The observed start lost c.2T>C p.Met1? variant in ARX gene has not been reported previously as a pathogenic variant nor as a benign variant, to our knowledge. This variant is absent in gnomAD Exomes. Another c.2T>G p.Met1Arg variant in the same position has been reported to the ClinVar database as Pathogenic. The p.Met1? variant is predicted to disrupt the initiation codon, and thus potentially may interfere with protein expression. The amino acid change p.Met1? in ARX is predicted as conserved by GERP++ and PhyloP across 100 vertebrates. Multiple lines of computational evidence Polyphen - Possibly Damaging, SIFT - Damaging, and MutationTaster - Disease causing predict a damaging effect on protein structure and function for this variant. This variant is predicted to cause loss of normal protein function through protein truncation. Loss of function variants have been previously reported to be disease causing. For these reasons, this variant has been classified as Likely Pathogenic.

NM_139058.3(ARX):c.2T>C (p.Met1Thr)

Gene: ARX (aristaless related homeobox; minus strand). Cytogenetic location: Xp21.3.
Variant type: single nucleotide variant.
Coding change: c.2T>C on transcript NM_139058.3 (MANE Select); coding-DNA position 2, T replaced by C.
Protein change: p.Met1Thr; changes the start codon (methionine 1).
Molecular consequence: missense variant, initiator codon variant.
Genome position (GRCh38, 1-based): chrX:25,015,736, A>G on the plus strand (T>C on the coding strand, the complement: ARX is on the minus strand). VCF-style: chrX-25015736-A-G. GRCh37 (hg19) VCF-style: chrX-25033853-A-G.
Other names: short protein forms M1T.
Identifiers: ClinVar variation 3391330 (VCV003391330.1).
Genomic context (GRCh38, chrX:25,015,736, plus strand): 5'-GGAGATTTACTTTTGCACTCGGGCCTCTCGGAGCAGCCCTCCTCCTGGTACTGATTGCTC[A>G]TGGCTGGGGCTTTTTCCCAGGGCGCAGAGAGCGGATCGCCGGCTGCCTCTCCCGGAGGGT-3'
Protein context (NP_620689.1, residues 1-11): [Met1Thr]SNQYQEEGCS